The following is an entry in ClinVar:

NM_172362.3(KCNH1):c.2707C>G (p.Arg903Gly)

Gene: KCNH1 (potassium voltage-gated channel subfamily H member 1; minus strand). Cytogenetic location: 1q32.2.
Variant type: single nucleotide variant.
Coding change: c.2707C>G on transcript NM_172362.3 (MANE Select); coding-DNA position 2707, C replaced by G.
Protein change: p.Arg903Gly; replaces arginine 903 with glycine.
Molecular consequence: missense variant.
Genome position (GRCh38, 1-based): chr1:210,683,544, G>C on the plus strand (C>G on the coding strand, the complement: KCNH1 is on the minus strand). VCF-style: chr1-210683544-G-C. GRCh37 (hg19) VCF-style: chr1-210856886-G-C.
Other names: c.2626C>G, p.Arg876Gly (NM_002238.4); short protein forms R876G, R903G.
Identifiers: ClinVar variation 2980023 (VCV002980023.3), dbSNP rs1167387824, ClinGen allele CA344870600.

ClinVar aggregate classification (germline): Uncertain significance (1 of 4 stars; one submission).

Submission:

Labcorp Genetics (formerly Invitae), Labcorp
Classification: Uncertain significance. Last evaluated: 2023-04-22. Review status: criteria provided, single submitter. Criteria: Invitae Variant Classification Sherloc (09022015). Collection method: clinical testing. Allele origin: germline.
Comment: This sequence change replaces arginine, which is basic and polar, with glycine, which is neutral and non-polar, at codon 903 of the KCNH1 protein (p.Arg903Gly). This variant is not present in population databases (gnomAD no frequency). This variant has not been reported in the literature in individuals affected with KCNH1-related conditions. Advanced modeling of protein sequence and biophysical properties (such as structural, functional, and spatial information, amino acid conservation, physicochemical variation, residue mobility, and thermodynamic stability) performed at Invitae indicates that this missense variant is not expected to disrupt KCNH1 protein function. In summary, the available evidence is currently insufficient to determine the role of this variant in disease. Therefore, it has been classified as a Variant of Uncertain Significance.